The following is an entry in ClinVar:

NM_014159.7(SETD2):c.6228dup (p.Arg2077fs)

Gene: SETD2 (SET domain containing 2, histone lysine methyltransferase; minus strand). Cytogenetic location: 3p21.31.
Variant type: Duplication.
Coding change: c.6228dup on transcript NM_014159.7 (MANE Select); coding-DNA position 6228, one base duplicated (A; older notation c.6228dupA).
Protein change: p.Arg2077fs; shifts the reading frame from arginine 2077.
Molecular consequence: frameshift variant. On other transcripts: non-coding transcript variant (1).
Genome position (GRCh38, 1-based): chr3:47,062,228, T duplicated on the plus strand (A on the coding strand, the reverse complement: SETD2 is on the minus strand); the first of 3 consecutive T bases (chr3:47,062,228-47,062,230); duplicating any one gives the same sequence. VCF-style (leftmost placement, unchanged base first): chr3-47062227-G-GT. GRCh37 (hg19) VCF-style: chr3-47103717-G-GT.
Other names: c.6096dup, p.Arg2033fs (NM_001349370.3); short protein forms R2033fs, R2077fs.
Identifiers: ClinVar variation 4530260 (VCV004530260.1).

ClinVar aggregate classification (somatic clinical impact): Tier II - Potential (1 of 4 stars; one submission).

Conditions:
Supratentorial ependymoma, ZFTA fusion–positive. Identifiers: MedGen CN377572, MONDO:0956990.

Submission:

Institute for Genomic Medicine (IGM) Clinical Laboratory, Nationwide Children's Hospital
Classification: Tier II - Potential for Supratentorial ependymoma, ZFTA fusion–positive. Assertion type: diagnostic. Clinical significance: supports diagnosis. Last evaluated: 2025-10-15. Review status: criteria provided, single submitter. Criteria: AMP/ASCO/CAP Guidelines, 2017. Collection method: clinical testing. Allele origin: somatic. Affected: yes.
Comment: Variant has Tier II (potential) clinical significance as a diagnostic inclusion criterion in supratentorial ependymoms, ZFTA fusion-positive, based on the following evidence: 1) Documented in one or more cancer databases (e.g., St. Jude Pecan, COSMIC, CIViC, OncoKB). 2) Information in the literature supports potential biologic effect of variant (PMIDs: 23417712, 24509477). 3) Assists in diagnosis alone or along with other biomarkers based on small studies or few case reports (Evidence Level D; PMIDs: 23417712, 32023450).

Literature cited by the submitters: PubMed 23417712; PubMed 24509477; PubMed 32023450.